The following is an entry in ClinVar:

NM_000179.3(MSH6):c.2502_2524dup (p.Ala842fs)

Gene: MSH6 (mutS homolog 6; plus strand). Cytogenetic location: 2p16.3.
Variant type: Duplication.
Coding change: c.2502_2524dup on transcript NM_000179.3 (MANE Select); coding-DNA positions 2502 to 2524, 23 bases duplicated (TCAGAACCACCCAGACAGCAGGG).
Protein change: p.Ala842fs; shifts the reading frame from alanine 842.
Molecular consequence: frameshift variant. On other transcripts: non-coding transcript variant (5), intron variant (3).
Genome position (GRCh38, 1-based): chr2:47,800,485-47,800,507, TCAGAACCACCCAGACAGCAGGG duplicated; duplicating any 23 consecutive bases within chr2:47,800,484-47,800,507 gives the same sequence; the c. name uses the placement nearest the transcript's 3' end. VCF-style (leftmost placement, unchanged base first): chr2-47800483-A-AGTCAGAACCACCCAGACAGCAGG. GRCh37 (hg19) VCF-style: chr2-48027622-A-AGTCAGAACCACCCAGACAGCAGG.
Other names: c.2112_2134dup, p.Ala712fs (NM_001281492.2); c.1596_1618dup, p.Ala540fs (NM_001281493.2, NM_001281494.2, NM_001406811.1 and 6 more transcripts); c.2598_2620dup, p.Ala874fs (NM_001406795.1, NM_001406802.1); c.2502_2524dup, p.Ala842fs (NM_001406796.1, NM_001406798.1, NM_001406800.1 and 2 more transcripts); c.2205_2227dup, p.Ala743fs (NM_001406797.1, NM_001406801.1, NM_001406805.1 and 10 more transcripts); c.1977_1999dup, p.Ala667fs (NM_001406799.1, NM_001406806.1, NM_001406807.1); c.2424_2446dup, p.Ala816fs (NM_001406804.1); c.2508_2530dup, p.Ala844fs (NM_001406813.1); and 5 more; short protein forms A844fs, A667fs, A712fs, A786fs, A816fs, A874fs, A540fs, A743fs.
Identifiers: ClinVar variation 2447296 (VCV002447296.2), dbSNP rs2530676392, ClinGen allele CA2580067927.
Genomic context (GRCh38, chr2:47,800,483, plus strand): 5'-AAGCTTCCAGATCTTGAGAGGCTACTCAGTAAAATTCATAATGTTGGGTCTCCCCTGAAG[A>AGTCAGAACCACCCAGACAGCAGG]GTCAGAACCACCCAGACAGCAGGGCTATAATGTATGAAGAAACTACATACAGCAAGAAGA-3'

ClinVar aggregate classification (germline): Pathogenic (1 of 4 stars; one submission).

Conditions:
Hereditary cancer-predisposing syndrome. Also called: Neoplastic Syndromes, Hereditary; Hereditary Cancer Syndrome; Tumor predisposition; Hereditary neoplastic syndrome. Identifiers: Orphanet 140162, MedGen C0027672, MeSH D009386, MONDO:0015356.

Submission:

Ambry Genetics
Classification: Pathogenic for Hereditary cancer-predisposing syndrome. Last evaluated: 2022-11-08. Review status: criteria provided, single submitter. Criteria: Ambry Variant Classification Scheme 2023. Collection method: clinical testing. Allele origin: germline.
Comment: The c.2502_2524dup23 variant, located in coding exon 4 of the MSH6 gene, results from a duplication of 23 nucleotides at positions 2502 to 2524, causing a translational frameshift with a predicted alternate stop codon (p.A842Vfs*10). This variant has been identified as somatic in conjunction with MSH6 copy neutral loss of heterozygosity (CN-LOH) in a tumor that demonstrated high microsatellite instability and loss of MSH6 expression by immunohistochemistry (Ambry internal data). This alteration is expected to result in loss of function by premature protein truncation or nonsense-mediated mRNA decay. As such, this alteration is interpreted as a disease-causing mutation.